The following is an entry in ClinVar:

NM_000155.4(GALT):c.1059+24G>A

Gene: GALT (galactose-1-phosphate uridylyltransferase; plus strand). Cytogenetic location: 9p13.3.
Variant type: single nucleotide variant.
Coding change: c.1059+24G>A on transcript NM_000155.4 (MANE Select); 24 bases into the intron after coding-DNA position 1059, G replaced by A.
Molecular consequence: intron variant.
Genome position (GRCh38, 1-based): chr9:34,649,588, G>A. VCF-style: chr9-34649588-G-A. GRCh37 (hg19) VCF-style: chr9-34649585-G-A.
Other names: c.732+24G>A (NM_001258332.2).
Identifiers: ClinVar variation 25326 (VCV000025326.5), dbSNP rs111033840, ClinGen allele CA259579.

ClinVar aggregate classification (germline): Likely benign. Review status: reviewed by expert panel (3 of 4 stars). 2 submissions from 2 submitters: Likely benign (1). 1 of the submissions does not count toward it. Last evaluated 2026-06-23.

Conditions:
Galactosemia. Also called: Galactose intolerance. Identifiers: Orphanet 352, MedGen C0016952, MONDO:0018116, HP:0004919. Disease mechanism: loss of function.
Deficiency of UDPglucose-hexose-1-phosphate uridylyltransferase. Also called: Transferase Deficiency Galactosemia; GALACTOSE-1-PHOSPHATE URIDYLYLTRANSFERASE DEFICIENCY; GALACTOSEMIA I; GALT deficiency; Galactosemia, classic. Identifiers: Orphanet 352, Orphanet 79239, MedGen C0268151, MONDO:0009258, OMIM 230400.

Allele frequency attached by ClinVar (database versions not stated): TOPMed 0.00004; ExAC 0.00005; gnomAD 0.00003; gnomAD exomes 0.00006 and 0.00012.

Submissions (2):

Clingen Galactosemia Variant Curation Expert Panel, ClinGen
Classification: Likely benign for Galactosemia. Last evaluated: 2026-06-23. Review status: reviewed by expert panel. Criteria: ClinGen Galactosemia ACMG Specifications GALT V1.1. Collection method: curation. Allele origin: germline. Inheritance: Autosomal recessive inheritance.
Comment: The c.1059+24G>A (NM_000155.4) variant in GALT is an intronic variant that is not predicted by SpliceAI to impact splicing. In addition, it occurs at a nucleotide that is not predicted to be involved in splicing (BP4, BP7). The filtering allele frequency in gnomAD v4.1.0 is 0.0001275 in the European (non-Finnish) population (PM2_Supporting). The Galactosemia VCEP does not consider PM2_Supporting as conflicting data with BP4 and BP7. In summary, this variant meets the criteria to be classified as likely benign for galactosemia based on the ACMG/AMP criteria applied, as specified by the ClinGen Galactosemia VCEP: BP4, BP7 (GALT specifications v1.0.0).

Counsyl
Classification: Likely benign for Deficiency of UDPglucose-hexose-1-phosphate uridylyltransferase. Last evaluated: 2017-02-24. Review status: no assertion criteria provided. Collection method: clinical testing. Allele origin: unknown. Not counted in ClinVar's aggregate classification.